The following is an entry in ClinVar:

NM_007315.4(STAT1):c.2101T>A (p.Tyr701Asn)

Gene: STAT1 (signal transducer and activator of transcription 1; minus strand). Cytogenetic location: 2q32.2.
Variant type: single nucleotide variant.
Coding change: c.2101T>A on transcript NM_007315.4 (MANE Select); coding-DNA position 2101, T replaced by A.
Protein change: p.Tyr701Asn; replaces tyrosine 701 with asparagine.
Molecular consequence: missense variant. On other transcripts: intron variant (1).
Genome position (GRCh38, 1-based): chr2:190,975,846, A>T on the plus strand (T>A on the coding strand, the complement: STAT1 is on the minus strand). VCF-style: chr2-190975846-A-T. GRCh37 (hg19) VCF-style: chr2-191840572-A-T.
Other names: c.2041T>A, p.Tyr681Asn (NM_001384880.1); c.2107T>A, p.Tyr703Asn (NM_001384881.1); c.2095T>A, p.Tyr699Asn (NM_001384882.1); c.2002T>A, p.Tyr668Asn (NM_001384883.1); c.1942T>A, p.Tyr648Asn (NM_001384885.1); c.2125T>A, p.Tyr709Asn (NM_001384886.1); c.2008T>A, p.Tyr670Asn (NM_001384887.1); c.2071T>A, p.Tyr691Asn (NM_001384888.1); and 4 more; short protein forms Y699N, Y713N, Y648N, Y703N, Y668N, Y670N, Y691N, Y701N.
Identifiers: ClinVar variation 2091845 (VCV002091845.4), dbSNP rs2470413176, ClinGen allele CA349911885.

ClinVar aggregate classification (germline): Uncertain significance (1 of 4 stars; one submission).

Conditions:
Immunodeficiency 31B. Also called: IMMUNODEFICIENCY 31B, MYCOBACTERIAL AND VIRAL INFECTIONS, AUTOSOMAL RECESSIVE; STAT1 DEFICIENCY, AUTOSOMAL RECESSIVE. Identifiers: Orphanet 391311, MedGen C3151088, MONDO:0013427, OMIM 613796.
Autoimmune enteropathy and endocrinopathy - susceptibility to chronic infections syndrome. Also called: Immunodeficiency 31C, autosomal dominant; Immunodeficiency 31C. Identifiers: Orphanet 391487, MedGen C3279990, MONDO:0013599, OMIM 614162.
Mendelian susceptibility to mycobacterial diseases due to partial STAT1 deficiency. Also called: Immunodeficiency 31a; IMMUNODEFICIENCY 31A, MYCOBACTERIOSIS, AUTOSOMAL DOMINANT; STAT1 DEFICIENCY, AUTOSOMAL DOMINANT. Identifiers: Orphanet 319595, MedGen C4013950, MONDO:0013956, OMIM 614892.

Submission:

Labcorp Genetics (formerly Invitae), Labcorp
Classification: Uncertain significance for Mendelian susceptibility to mycobacterial diseases due to partial STAT1 deficiency; Immunodeficiency 31B; Autoimmune enteropathy and endocrinopathy - susceptibility to chronic infections syndrome. Last evaluated: 2022-02-02. Review status: criteria provided, single submitter. Criteria: Invitae Variant Classification Sherloc (09022015). Collection method: clinical testing. Allele origin: germline.
Comment: In summary, the available evidence is currently insufficient to determine the role of this variant in disease. Therefore, it has been classified as a Variant of Uncertain Significance. This variant disrupts the p.Tyr701 amino acid residue in STAT1. Other variant(s) that disrupt this residue have been determined to be pathogenic (PMID: 23585529, 23709754, 28601685, 28859974, 31114772). This suggests that this residue is clinically significant, and that variants that disrupt this residue are likely to be disease-causing. Algorithms developed to predict the effect of missense changes on protein structure and function (SIFT, PolyPhen-2, Align-GVGD) all suggest that this variant is likely to be disruptive. This variant has not been reported in the literature in individuals affected with STAT1-related conditions. This variant is not present in population databases (gnomAD no frequency). This sequence change replaces tyrosine, which is neutral and polar, with asparagine, which is neutral and polar, at codon 701 of the STAT1 protein (p.Tyr701Asn).

Literature cited by the submitters: PubMed 23585529; PubMed 23709754; PubMed 28601685; PubMed 28859974; PubMed 31114772.